The following is an entry in ClinVar:

ClinVar aggregate classification (germline): Conflicting classifications of pathogenicity. Review status: criteria provided, conflicting classifications (1 of 4 stars). 3 submissions from 3 submitters: Pathogenic (2); Uncertain significance (1). Last evaluated 2026-01-15.

Submissions (3):

Labcorp Genetics (formerly Invitae), Labcorp
Classification: Pathogenic. Last evaluated: 2026-01-15. Review status: criteria provided, single submitter. Criteria: Invitae Variant Classification Sherloc (09022015). Collection method: clinical testing. Allele origin: germline.
Comment: This sequence change creates a premature translational stop signal (p.Thr1060Serfs*7) in the AP3B2 gene. While this is not anticipated to result in nonsense mediated decay, it is expected to disrupt the last 23 amino acid(s) of the AP3B2 protein. This variant is present in population databases (rs756807665, gnomAD 0.003%). This premature translational stop signal has been observed in individual(s) with AP3B2-related conditions (PMID: 27889060; external communication, internal data). In at least one individual the data is consistent with being in trans (on the opposite chromosome) from a pathogenic variant. It has also been observed to segregate with disease in related individuals. ClinVar contains an entry for this variant (Variation ID: 598736). For these reasons, this variant has been classified as Pathogenic.

Women's Health and Genetics/Laboratory Corporation of America, LabCorp
Classification: Uncertain significance. Last evaluated: 2023-12-21. Review status: criteria provided, single submitter. Criteria: LabCorp Variant Classification Summary - May 2015. Collection method: clinical testing. Allele origin: germline.
Comment: Variant summary: AP3B2 c.3178_3181delACTG (p.Thr1060SerfsX7) results in a premature termination codon, predicted to cause a truncation of the encoded protein or absence of the protein. To our knowledge, variants downstream of this position have not been classified as pathogenic in ClinVar. The variant allele was found at a frequency of 8e-06 in 249206 control chromosomes (gnomAD). c.3178_3181delACTG has been reported in the literature in at-least one compound heterozygous individual affected with Early-onset epileptic encephalopathy (example: Assoum_2016). These data do not allow any conclusion about variant significance. To our knowledge, no experimental evidence demonstrating an impact on protein function has been reported. The following publications have been ascertained in the context of this evaluation (PMID: 27889060, 33742171). Two submitters have cited clinical-significance assessments for this variant to ClinVar after 2014. All submitters classified the variant as pathogenic/likely pathogenic. Based on the evidence outlined above, the variant was classified as uncertain significance.

Eurofins Ntd Llc (ga)
Classification: Pathogenic. Last evaluated: 2018-09-18. Review status: criteria provided, single submitter. Criteria: EGL ClinVar v180209 classification definitions. Collection method: clinical testing. Allele origin: germline.

Literature cited by the submitters: PubMed 27889060 (cited by Labcorp Genetics (formerly Invitae), Labcorp and Women's Health and Genetics/Laboratory Corporation of America, LabCorp); PubMed 33742171 (cited by Women's Health and Genetics/Laboratory Corporation of America, LabCorp).

NM_001278512.2(AP3B2):c.3235_3238del (p.Thr1079fs)

Genes: AP3B2 (adaptor related protein complex 3 subunit beta 2; minus strand), CPEB1-AS1 (CPEB1 antisense RNA 1; plus strand). Cytogenetic location: 15q25.2.
Variant type: Deletion.
Coding change: c.3235_3238del on transcript NM_001278512.2 (MANE Select); coding-DNA positions 3235 to 3238, 4 bases deleted (ACTG; older notation c.3235_3238delACTG).
Protein change: p.Thr1079fs; shifts the reading frame from threonine 1079.
Molecular consequence: frameshift variant.
Genome position (GRCh38, 1-based): chr15:82,659,628-82,659,631, CAGT deleted on the plus strand (ACTG on the coding strand, the reverse complement: AP3B2 is on the minus strand); deleting any 4 consecutive bases within chr15:82,659,628-82,659,634 gives the same sequence; the c. name uses the placement nearest the transcript's 3' end. VCF-style (leftmost placement, unchanged base first): chr15-82659627-ACAGT-A. GRCh37 (hg19) VCF-style: chr15-83328379-ACAGT-A.
Other names: c.3082_3085del, p.Thr1028fs (NM_001278511.2); c.367_370del, p.Thr123fs (NM_001348441.2); c.3178_3181del, p.Thr1060fs (NM_004644.5); c.3178_3181delACTG (NM_004644.5); short protein forms T1060fs, T123fs, T1028fs, T1079fs.
Identifiers: ClinVar variation 598736 (VCV000598736.11), dbSNP rs756807665, ClinGen allele CA7699657.